The following is an entry in ClinVar:

ClinVar aggregate classification (germline): Uncertain significance (1 of 4 stars; one submission).

gnomAD v4.1: 2 of 1,613,622 alleles (0.00012%); highest among the groups gnomAD compares: Non-Finnish European, 0.00017%; no homozygotes.

Submission:

Labcorp Genetics (formerly Invitae), Labcorp
Classification: Uncertain significance. Last evaluated: 2024-09-12. Review status: criteria provided, single submitter. Criteria: Invitae Variant Classification Sherloc (09022015). Collection method: clinical testing. Allele origin: germline.
Comment: This sequence change replaces histidine, which is basic and polar, with tyrosine, which is neutral and polar, at codon 104 of the NCKAP1L protein (p.His104Tyr). This variant is not present in population databases (gnomAD no frequency). This variant has not been reported in the literature in individuals affected with NCKAP1L-related conditions. An algorithm developed to predict the effect of missense changes on protein structure and function (PolyPhen-2) suggests that this variant is likely to be disruptive. In summary, the available evidence is currently insufficient to determine the role of this variant in disease. Therefore, it has been classified as a Variant of Uncertain Significance.

NM_005337.5(NCKAP1L):c.310C>T (p.His104Tyr)

Gene: NCKAP1L (NCK associated protein 1 like; plus strand). Cytogenetic location: 12q13.2.
Variant type: single nucleotide variant.
Coding change: c.310C>T on transcript NM_005337.5 (MANE Select); coding-DNA position 310, C replaced by T.
Protein change: p.His104Tyr; replaces histidine 104 with tyrosine.
Molecular consequence: missense variant.
Genome position (GRCh38, 1-based): chr12:54,507,856, C>T. VCF-style: chr12-54507856-C-T. GRCh37 (hg19) VCF-style: chr12-54901640-C-T.
Other names: c.160C>T, p.His54Tyr (NM_001184976.2); short protein forms H104Y, H54Y.
Identifiers: ClinVar variation 3664163 (VCV003664163.2).
Genomic context (GRCh38, chr12:54,507,856, plus strand): 5'-AGTACGTCACCTTCTCTTTGATTTTTTATTAATTCTTGTCTTCACTTCCACCCCCAGGAT[C>T]ATGTATATGAACTTCTCAACACCATTGATGCCTGCCAGTGCCATTTTGATATCGTAAGAA-3'
Protein context (NP_005328.2, residues 94-114): SFVDVMEFRD[His104Tyr]VYELLNTIDA